The following is an entry in ClinVar:

ClinVar aggregate classification (germline): Likely pathogenic (1 of 4 stars; one submission).

Conditions:
Mucopolysaccharidosis, MPS-II (MPS2). Also called: Hunter Syndrome; IDURONATE 2-SULFATASE DEFICIENCY; Mucopolysaccharidosis Type II; Mucopolysaccharidosis type 2; Attenuated MPS (subtype; formerly known as mild MPS II); Severe MPS II. Identifiers: Orphanet 580, Orphanet 79388, MedGen C0026705, MONDO:0010674, OMIM 309900.

Submission:

Laboratory of Diagnosis and Therapy of Lysosomal Disorders, University of Padova
Classification: Likely pathogenic for Mucopolysaccharidosis, MPS-II. Last evaluated: 2024-06-07. Review status: criteria provided, single submitter. Criteria: ACMG Guidelines, 2015. Collection method: literature only. Allele origin: germline. Affected: yes. Observed: 1 variant allele.
Comment: Absent from controls (or at low frequency) in gnomAD database (PM2_Moderate), Protein length changes in a nonrepeat region or stop–loss variants (PM4_Moderate), Multiple lines of computational evidence support a deleterious effect (PP3_Supporting), Patient’s phenotype or family history highly specific for the disease (PP4_Strong)

Classification method: ACMG Guidelines [PMID:25741868] with modifications

Literature cited by the submitters: PubMed 9660053.

NM_000202.8(IDS):c.1390_1398del (p.Ser464_Tyr466del)

Gene: IDS (iduronate 2-sulfatase; minus strand). Cytogenetic location: Xq28.
Variant type: Deletion.
Coding change: c.1390_1398del on transcript NM_000202.8 (MANE Select); coding-DNA positions 1390 to 1398, 9 bases deleted (AGCCAGTAT; older notation c.1390_1398delAGCCAGTAT).
Protein change: p.Ser464_Tyr466del.
Molecular consequence: inframe deletion.
Genome position (GRCh38, 1-based): chrX:149,483,001-149,483,009, ATACTGGCT deleted on the plus strand (AGCCAGTAT on the coding strand, the reverse complement: IDS is on the minus strand); deleting any 9 consecutive bases within chrX:149,483,001-149,483,012 gives the same sequence; the c. name uses the placement nearest the transcript's 3' end. VCF-style (leftmost placement, unchanged base first): chrX-149483000-GATACTGGCT-G. GRCh37 (hg19) VCF-style: chrX-148564531-GATACTGGCT-G.
Other names: c.1120_1128del, p.Ser374_Tyr376del (NM_001166550.4).
Identifiers: ClinVar variation 3256039 (VCV003256039.2).